The following is an entry in ClinVar:

NM_000059.4(BRCA2):c.1655C>A (p.Ser552Tyr)

Gene: BRCA2 (BRCA2 DNA repair associated; plus strand). Cytogenetic location: 13q13.1.
Variant type: single nucleotide variant.
Coding change: c.1655C>A on transcript NM_000059.4 (MANE Select); coding-DNA position 1655, C replaced by A.
Protein change: p.Ser552Tyr; replaces serine 552 with tyrosine.
Molecular consequence: missense variant.
Genome position (GRCh38, 1-based): chr13:32,333,133, C>A. VCF-style: chr13-32333133-C-A. GRCh37 (hg19) VCF-style: chr13-32907270-C-A.
Other names: short protein forms S552Y.
Identifiers: ClinVar variation 631193 (VCV000631193.20), dbSNP rs1566224045, ClinGen allele CA387765014.

ClinVar aggregate classification (germline): Conflicting classifications of pathogenicity. Review status: criteria provided, conflicting classifications (1 of 4 stars). 5 submissions from 5 submitters: Uncertain significance (4); Likely benign (1). Last evaluated 2025-10-31.

Conditions:
Hereditary cancer-predisposing syndrome. Also called: Tumor predisposition; Neoplastic Syndromes, Hereditary; Hereditary neoplastic syndrome; Hereditary Cancer Syndrome. Identifiers: Orphanet 140162, MedGen C0027672, MeSH D009386, MONDO:0015356.
Hereditary breast ovarian cancer syndrome. Also called: Hereditary breast and ovarian cancer; Hereditary breast and ovarian cancer syndrome (HBOC); Breast and ovarian cancer; Hereditary breast and ovarian cancer syndrome; BRCA1- and BRCA2-Associated Hereditary Breast and Ovarian Cancer; Hereditary breast and/or ovarian cancer syndrome. Identifiers: Orphanet 145, MedGen C0677776, MeSH D061325, MONDO:0003582. Disease mechanism: loss of function.

Submissions (5):

Labcorp Genetics (formerly Invitae), Labcorp
Classification: Uncertain significance for Hereditary breast ovarian cancer syndrome. Last evaluated: 2025-10-31. Review status: criteria provided, single submitter. Criteria: Invitae Variant Classification Sherloc (09022015). Collection method: clinical testing. Allele origin: germline.
Comment: This sequence change replaces serine, which is neutral and polar, with tyrosine, which is neutral and polar, at codon 552 of the BRCA2 protein (p.Ser552Tyr). This variant is not present in population databases (gnomAD no frequency). This variant has not been reported in the literature in individuals affected with BRCA2-related conditions. ClinVar contains an entry for this variant (Variation ID: 631193). Invitae Evidence Modeling of protein sequence and biophysical properties (such as structural, functional, and spatial information, amino acid conservation, physicochemical variation, residue mobility, and thermodynamic stability) indicates that this missense variant is not expected to disrupt BRCA2 protein function with a negative predictive value of 95%. In summary, the available evidence is currently insufficient to determine the role of this variant in disease. Therefore, it has been classified as a Variant of Uncertain Significance.

Ambry Genetics
Classification: Uncertain significance for Hereditary cancer-predisposing syndrome. Last evaluated: 2025-09-17. Review status: criteria provided, single submitter. Criteria: Ambry Variant Classification Scheme 2023. Collection method: clinical testing. Allele origin: germline.
Comment: The p.S552Y variant (also known as c.1655C>A), located in coding exon 9 of the BRCA2 gene, results from a C to A substitution at nucleotide position 1655. The serine at codon 552 is replaced by tyrosine, an amino acid with dissimilar properties. This amino acid position is not well conserved in available vertebrate species. In addition, this alteration is predicted to be tolerated by in silico analysis. Since supporting evidence is limited at this time, the clinical significance of this alteration remains unclear.

University of Washington Department of Laboratory Medicine, University of Washington
Classification: Likely benign for Hereditary cancer-predisposing syndrome. Last evaluated: 2023-03-23. Review status: criteria provided, single submitter. Criteria: Dines et al. (Genet Med. 2020). Collection method: curation. Allele origin: germline.
Comment: Missense variant in a coldspot region where missense variants are very unlikely to be pathogenic (PMID:31911673).

BRCA2 exon 10 coldspot. Reclassification based on statistical prior probability.

Women's Health and Genetics/Laboratory Corporation of America, LabCorp
Classification: Uncertain significance. Last evaluated: 2021-01-21. Review status: criteria provided, single submitter. Criteria: LabCorp Variant Classification Summary - May 2015. Collection method: clinical testing. Allele origin: germline.
Comment: Variant summary: BRCA2 c.1655C>A (p.Ser552Tyr) results in a non-conservative amino acid change in the encoded protein sequence. Three of five in-silico tools predict a damaging effect of the variant on protein function. The variant was absent in 251162 control chromosomes. The available data on variant occurrences in the general population are insufficient to allow any conclusion about variant significance. To our knowledge, no occurrence of c.1655C>A in individuals affected with Hereditary Breast And Ovarian Cancer Syndrome and no experimental evidence demonstrating its impact on protein function have been reported. Three clinical diagnostic laboratories have submitted clinical-significance assessments for this variant to ClinVar after 2014 without evidence for independent evaluation. All laboratories classified the variant as uncertain significance. Based on the evidence outlined above, the variant was classified as uncertain significance.

Color Diagnostics, LLC DBA Color Health
Classification: Uncertain significance for Hereditary cancer-predisposing syndrome. Last evaluated: 2019-04-14. Review status: criteria provided, single submitter. Criteria: ACMG Guidelines, 2015. Collection method: clinical testing. Allele origin: germline.